The following is an entry in ClinVar:

ClinVar aggregate classification (germline): Pathogenic (1 of 4 stars; one submission).

Submission:

GeneDx
Classification: Pathogenic. Last evaluated: 2016-06-08. Review status: criteria provided, single submitter. Criteria: GeneDx Variant Classification (06012015). Collection method: clinical testing. Allele origin: germline. Affected: yes.
Comment: The S3406X pathogenic variant in the KMT2A gene has not been reported previously as a pathogenic variant nor as a benign variant, to our knowledge. This variant is predicted to cause loss of normal protein function either through protein truncation or nonsense-mediated mRNA decay. TheS3406X variant was not observed in approximately 6500 individuals of European and African American ancestry in the NHLBI Exome Sequencing Project, indicating it is not a common benign variant in these populations. We interpret S3406X as a pathogenic variant.

NM_001197104.2(KMT2A):c.10217C>A (p.Ser3406Ter)

Gene: KMT2A (lysine methyltransferase 2A; plus strand). Cytogenetic location: 11q23.3.
Variant type: single nucleotide variant.
Coding change: c.10217C>A on transcript NM_001197104.2 (MANE Select); coding-DNA position 10217, C replaced by A.
Protein change: p.Ser3406Ter; replaces serine 3406 with a stop codon.
Molecular consequence: nonsense.
Genome position (GRCh38, 1-based): chr11:118,506,109, C>A. VCF-style: chr11-118506109-C-A. GRCh37 (hg19) VCF-style: chr11-118376824-C-A.
Other names: c.10208C>A, p.Ser3403Ter (NM_005933.4); short protein forms S3406*, S3403*.
Identifiers: ClinVar variation 265601 (VCV000265601.2), dbSNP rs886039658, ClinGen allele CA10588514.